The following is an entry in ClinVar:

NM_001029896.2(WDR45):c.325C>T (p.Arg109Cys)

Gene: WDR45 (WD repeat domain 45; minus strand). Cytogenetic location: Xp11.23.
Variant type: single nucleotide variant.
Coding change: c.325C>T on transcript NM_001029896.2 (MANE Select); coding-DNA position 325, C replaced by T.
Protein change: p.Arg109Cys; replaces arginine 109 with cysteine.
Molecular consequence: missense variant.
Genome position (GRCh38, 1-based): chrX:49,076,661, G>A on the plus strand (C>T on the coding strand, the complement: WDR45 is on the minus strand). VCF-style: chrX-49076661-G-A. GRCh37 (hg19) VCF-style: chrX-48934320-G-A.
Other names: c.328C>T, p.Arg110Cys (NM_007075.4); short protein forms R109C, R110C.
Identifiers: ClinVar variation 1134059 (VCV001134059.11), dbSNP rs369310756, ClinGen allele CA10408570.
Genomic context (GRCh38, chrX:49,076,661, plus strand): 5'-TGTGGGGACCTCCTACCTCCCACCCCGGTCCTCCTCAGGCTCACTTGTCATGGCGCATGC[G>A]CACAGAAAGCACTGGCTTGGTGAAGGTGAACTCCAGCACCAGCTTCTCCTTGGAGTCCTT-3'
Protein context (NP_001025067.1, residues 99-119): FTFTKPVLSV[Arg109Cys]MRHDKIVIVL

ClinVar aggregate classification (germline): Conflicting classifications of pathogenicity. Review status: criteria provided, conflicting classifications (1 of 4 stars). 2 submissions from 2 submitters: Uncertain significance (1); Likely benign (1). Last evaluated 2022-03-19.

Conditions:
Neurodegeneration with brain iron accumulation 5 (NBIA5). Also called: STATIC ENCEPHALOPATHY OF CHILDHOOD WITH NEURODEGENERATION IN ADULTHOOD; Beta-propeller protein-associated neurodegeneration. Identifiers: Orphanet 329284, MedGen C3550973, MONDO:0010476, OMIM 300894.

Allele frequency attached by ClinVar (database versions not stated): gnomAD 0.00001 and 0.00008; gnomAD exomes 0.00002 and 0.00003; ExAC 0.00004; ESP Exome Variant Server 0.00009; TOPMed 0.00012.
gnomAD v4.1: 28 of 1,209,070 alleles (0.0023%); highest among the groups gnomAD compares: South Asian, 0.0053%; no homozygotes.

Submissions (2):

Labcorp Genetics (formerly Invitae), Labcorp
Classification: Likely benign for Neurodegeneration with brain iron accumulation 5. Last evaluated: 2022-03-19. Review status: criteria provided, single submitter. Criteria: Invitae Variant Classification Sherloc (09022015). Collection method: clinical testing. Allele origin: germline.

GeneDx
Classification: Uncertain significance. Last evaluated: 2021-06-30. Review status: criteria provided, single submitter. Criteria: GeneDx Variant Classification Process June 2021. Collection method: clinical testing. Allele origin: germline. Affected: yes.
Comment: In silico analysis supports that this missense variant has a deleterious effect on protein structure/function; Has not been previously published as pathogenic or benign to our knowledge; This variant is associated with the following publications: (PMID: 23176820, 27535533)